The following is an entry in ClinVar:

ClinVar aggregate classification (germline): Uncertain significance (1 of 4 stars; one submission).

Allele frequency attached by ClinVar (database versions not stated): TOPMed below 0.00001; gnomAD exomes 0.00001; ExAC 0.00002.
gnomAD v4.1: 8 of 1,605,618 alleles (0.0005%); highest among the groups gnomAD compares: Non-Finnish European, 0.00068%; no homozygotes.

Submission:

Labcorp Genetics (formerly Invitae), Labcorp
Classification: Uncertain significance. Last evaluated: 2021-11-26. Review status: criteria provided, single submitter. Criteria: Invitae Variant Classification Sherloc (09022015). Collection method: clinical testing. Allele origin: germline.
Comment: This variant is present in population databases (rs754604402, gnomAD 0.002%). This sequence change replaces serine, which is neutral and polar, with asparagine, which is neutral and polar, at codon 65 of the PRKN protein (p.Ser65Asn). This variant has not been reported in the literature in individuals affected with PRKN-related conditions. In summary, the available evidence is currently insufficient to determine the role of this variant in disease. Therefore, it has been classified as a Variant of Uncertain Significance. Algorithms developed to predict the effect of missense changes on protein structure and function are either unavailable or do not agree on the potential impact of this missense change (SIFT: "Tolerated"; PolyPhen-2: "Probably Damaging"; Align-GVGD: "Class C0").

NM_004562.3(PRKN):c.194G>A (p.Ser65Asn)

Gene: PRKN (parkin RBR E3 ubiquitin protein ligase; minus strand). Cytogenetic location: 6q26.
Variant type: single nucleotide variant.
Coding change: c.194G>A on transcript NM_004562.3 (MANE Select); coding-DNA position 194, G replaced by A.
Protein change: p.Ser65Asn; replaces serine 65 with asparagine.
Molecular consequence: missense variant. On other transcripts: intron variant (1).
Genome position (GRCh38, 1-based): chr6:162,262,743, C>T on the plus strand (G>A on the coding strand, the complement: PRKN is on the minus strand). VCF-style: chr6-162262743-C-T. GRCh37 (hg19) VCF-style: chr6-162683775-C-T.
Other names: c.194G>A, p.Ser65Asn (NM_013987.3); c.171+180567G>A (NM_013988.3); short protein forms S65N.
Identifiers: ClinVar variation 1522853 (VCV001522853.6), dbSNP rs754604402, ClinGen allele CA4090454.
Genomic context (GRCh38, chr6:162,262,743, plus strand): 5'-CCTCCAGTTGCATTCATTTCTTGACCTTTTCTCCACGGTCTCTGCACAATGTGAACAATG[C>T]TCTGCTGATCCAGGTCACAATTCTGTTTGGGAGCAAGGTAAAAAAAAAAAAAAAAAAAAA-3'
Protein context (NP_004553.2, residues 55-75): TVQNCDLDQQ[Ser65Asn]IVHIVQRPWR